The following continues an entry in ClinVar:

NM_001276345.2(TNNT2):c.304C>T (p.Arg102Trp)

Gene: TNNT2. ClinVar aggregate classification (germline): Pathogenic/Likely pathogenic. Pathogenic (18); Likely pathogenic (1).

Submissions 6 to 22 of 22:

Color Diagnostics, LLC DBA Color Health
Classification: Pathogenic for Cardiomyopathy. Last evaluated: 2024-08-13. Review status: criteria provided, single submitter. Criteria: ACMG Guidelines, 2015. Collection method: clinical testing. Allele origin: germline.
Comment: This missense variant replaces arginine with tryptophan at codon 92 in the tropomyosin binding domain 1 of the TNNT2 protein. Computational prediction suggests that this variant may have deleterious impact on protein structure and function (internally defined REVEL score threshold >= 0.7, PMID: 27666373). Functional studies using in vitro modeling have shown that this variant may result in impaired tropomyosin binding (PMID: 11606294, 14722098). Additionally, functional studies using mouse models have demonstrated systolic dysfunction and decreased ventricular mass (PMID: 16326803). This variant has been reported in over 15 individuals affected with hypertrophic cardiomyopathy (PMID: 9060892, 10521296, 11346248, 11560853, 12084606, 12860912, 20414521, 22321274, 23494605, 28615295, 29572196, 9060892, 11346248 23494605, 29572196). It has been shown that this variant segregates with disease in multiple affected family members across multiple families (PMID: 9060892, 11346248 23494605, 29572196). A different variant occurring at the same codon, p.Arg92Gln, is a well documented pathogenic mutation (Clinvar variation ID: 12409), indicating that arginine at this position is important for TNNT2 protein function. This variant has been identified in 2/282802 chromosomes in the general population by the Genome Aggregation Database (gnomAD). Based on the available evidence, this variant is classified as Pathogenic.

Molecular Diagnostic Laboratory for Inherited Cardiovascular Disease, Montreal Heart Institute
Classification: Pathogenic for Cardiovascular phenotype. Last evaluated: 2024-05-13. Review status: criteria provided, single submitter. Criteria: ACMG Guidelines, 2015. Collection method: clinical testing. Allele origin: germline. Affected: yes.
Comment: PS3, PS4, PP1_strong, PM1, PM2, PM5, PP2, PP3, PP5

Fulgent Genetics
Classification: Pathogenic for Hypertrophic cardiomyopathy 2; Dilated cardiomyopathy 1D; Cardiomyopathy, familial restrictive, 3. Last evaluated: 2024-05-01. Review status: criteria provided, single submitter. Criteria: ACMG Guidelines, 2015. Collection method: clinical testing. Allele origin: germline.

Women's Health and Genetics/Laboratory Corporation of America, LabCorp
Classification: Pathogenic for Cardiomyopathy. Last evaluated: 2024-03-12. Review status: criteria provided, single submitter. Criteria: LabCorp Variant Classification Summary - May 2015. Collection method: clinical testing. Allele origin: germline.
Comment: Variant summary: TNNT2 c.274C>T (p.Arg92Trp) results in a non-conservative amino acid change in the encoded protein sequence. Five of five in-silico tools predict a damaging effect of the variant on protein function. The variant allele was found at a frequency of 4e-06 in 253031 control chromosomes (gnomAD). c.274C>T has been reported in the literature in multiple individuals affected with Cardiomyopathy (examples: Revera_200, Liu_2013, Fujita_2013, Kassem_2013). These data indicate that the variant is very likely to be associated with disease. The following publications have been ascertained in the context of this evaluation (PMID: 9060892, 17612745, 23233322, 23494605, 24510615, 23711808). ClinVar contains an entry for this variant (Variation ID: 43627). Based on the evidence outlined above, the variant was classified as pathogenic.

Blueprint Genetics
Classification: Pathogenic for TNNT2-related disorders. Last evaluated: 2023-10-05. Review status: criteria provided, single submitter. Criteria: ACMG Guidelines, 2015. Collection method: clinical testing. Allele origin: germline. Affected: yes. Observed: 5 variant alleles.

Genome-Nilou Lab
Classification: Pathogenic for Dilated cardiomyopathy 1D. Last evaluated: 2023-04-11. Review status: criteria provided, single submitter. Criteria: ACMG Guidelines, 2015. Collection method: clinical testing. Allele origin: germline. Affected: no.

Genome-Nilou Lab
Classification: Pathogenic for Cardiomyopathy, familial restrictive, 3. Last evaluated: 2023-04-11. Review status: criteria provided, single submitter. Criteria: ACMG Guidelines, 2015. Collection method: clinical testing. Allele origin: germline. Affected: no.

Genome-Nilou Lab
Classification: Pathogenic for Hypertrophic cardiomyopathy 2. Last evaluated: 2023-04-11. Review status: criteria provided, single submitter. Criteria: ACMG Guidelines, 2015. Collection method: clinical testing. Allele origin: germline. Affected: no.

CHEO Genetics Diagnostic Laboratory, Children's Hospital of Eastern Ontario
Classification: Pathogenic for Cardiomyopathy. Last evaluated: 2023-03-01. Review status: criteria provided, single submitter. Criteria: ACMG Guidelines, 2015. Collection method: clinical testing. Allele origin: germline.

GeneDx
Classification: Pathogenic. Last evaluated: 2022-10-28. Review status: criteria provided, single submitter. Criteria: GeneDx Variant Classification Process June 2021. Collection method: clinical testing. Allele origin: germline. Affected: yes.
Comment: Not observed at significant frequency in large population cohorts (gnomAD); Functional studies indicate R92W disrupts tropomyosin binding and increases calcium sensitivity of the cardiac thin filament (Palm et al., 2001, Harada et al., 2004; Revera et al., 2008, Manning et al., 2012a, Manning et al., 2012b); In silico analysis supports that this missense variant has a deleterious effect on protein structure/function; This variant is associated with the following publications: (PMID: 11606294, 22579624, 21310275, 18029407, 19880069, 26955724, 22334656, 10521296, 12860912, 27590665, 28166811, 27532257, 26507537, 30025578, 28202948, 29563334, 16326803, 31513939, 29572196, 33025817, 14722098, 31006259, 33996946, 30847666, 31737537, 33673806, 11346248, 35626289, 35208637, 9060892, 8951566)

Center for Human Genetics, University of Leuven
Classification: Pathogenic for Hypertrophic cardiomyopathy. Last evaluated: 2018-10-31. Review status: criteria provided, single submitter. Criteria: ACMG Guidelines, 2015. Collection method: clinical testing. Allele origin: germline. Affected: yes.

Laboratory for Molecular Medicine, Mass General Brigham Personalized Medicine
Classification: Pathogenic for Hypertrophic cardiomyopathy. Last evaluated: 2015-04-01. Review status: criteria provided, single submitter. Criteria: LMM Criteria. Collection method: clinical testing. Allele origin: germline. Inheritance: Autosomal dominant inheritance. Observed: 11 variant alleles.
Comment: The p.Arg92Trp variant in TNNT2 has been reported in the literature and by our l aboratory in >20 individuals with HCM and segregated with disease in >15 affecte d relatives from >5 families (Koga 1996, Ackerman 2002, Moolman 1997, Moolman-Sm ook 1999, Fujino 2001, Varnava 2001, Van Driest 2003, Marsiglia 2010, Yang 2011, Fujita 2013; LMM unpublished data). This variant has been identified in 1/66730 of European chromosomes by the Exome Aggregation Consortium (ExAC.; dbSNP rs397516456). Please note that for diseases with clini cal variability or reduced penetrance, pathogenic variants may be present at a l ow frequency in the general population. In vitro functional studies and mouse mo dels provide evidence that the p.Arg92Trp variant impacts protein function (Palm 2001, Harada 2004, Ertz-berger 2005, Manning 2012). In summary, this variant me ets our criteria to be classified as pathogenic for HCM in an autosomal dominant manner based upon segregatio n studies and functional evidence.

Stanford Center for Inherited Cardiovascular Disease, Stanford University
Classification: Pathogenic. Last evaluated: 2014-07-02. Review status: criteria provided, single submitter. Criteria: ACMG Guidelines, 2015. Collection method: provider interpretation. Allele origin: germline.

Clinical Genetics Service, Universitary Hospital 12 de Octubre
Classification: Pathogenic for Hypertrophic cardiomyopathy 2. Review status: criteria provided, single submitter. Criteria: ACMG Guidelines, 2015. Collection method: clinical testing. Allele origin: germline. Affected: yes.

Clinical Genetics, Academic Medical Center
Classification: Pathogenic. Review status: no assertion criteria provided. Collection method: clinical testing. Allele origin: germline. Affected: yes. Study: VKGL Data-share Consensus. Not counted in ClinVar's aggregate classification.

Genome Diagnostics Laboratory, University Medical Center Utrecht
Classification: Pathogenic. Review status: no assertion criteria provided. Collection method: clinical testing. Allele origin: germline. Affected: yes. Study: VKGL Data-share Consensus. Not counted in ClinVar's aggregate classification.

Joint Genome Diagnostic Labs from Nijmegen and Maastricht, Radboudumc and MUMC+
Classification: Pathogenic. Review status: no assertion criteria provided. Collection method: clinical testing. Allele origin: germline. Affected: yes. Study: VKGL Data-share Consensus. Not counted in ClinVar's aggregate classification.

Literature cited by the submitters: PubMed 9060892 (cited by 6 submitters); PubMed 10521296 (cited by 4 submitters); PubMed 11346248 (cited by 4 submitters); PubMed 11560853 (cited by 4 submitters); PubMed 12084606 (cited by 4 submitters); PubMed 12860912 (cited by 4 submitters); PubMed 18403758 (cited by Ambry Genetics and Labcorp Genetics (formerly Invitae), Labcorp); PubMed 8951566 (cited by 3 submitters); PubMed 26507537 (cited by Labcorp Genetics (formerly Invitae), Labcorp and Victorian Clinical Genetics Services, Murdoch Childrens Research Institute); PubMed 14722098 (cited by 5 submitters); PubMed 22334656 (cited by 3 submitters); PubMed 7898523 (cited by Labcorp Genetics (formerly Invitae), Labcorp); PubMed 8205619 (cited by Labcorp Genetics (formerly Invitae), Labcorp and 3billion); PubMed 9201030 (cited by Labcorp Genetics (formerly Invitae), Labcorp); PubMed 10085122 (cited by Labcorp Genetics (formerly Invitae), Labcorp); PubMed 10617660 (cited by Labcorp Genetics (formerly Invitae), Labcorp); PubMed 33025817 (cited by Victorian Clinical Genetics Services, Murdoch Childrens Research Institute); PubMed 32098556 (cited by Victorian Clinical Genetics Services, Murdoch Childrens Research Institute); PubMed 18612386 (cited by Victorian Clinical Genetics Services, Murdoch Childrens Research Institute); PubMed 11606294 (cited by 3 submitters); PubMed 16326803 (cited by 3 submitters); PubMed 20414521 (cited by 3 submitters); PubMed 22321274 (cited by 3 submitters); PubMed 23494605 (cited by 4 submitters); PubMed 28615295 (cited by All of Us Research Program, National Institutes of Health and Color Diagnostics, LLC DBA Color Health); PubMed 29572196 (cited by All of Us Research Program, National Institutes of Health and Color Diagnostics, LLC DBA Color Health); PubMed 17612745 (cited by Women's Health and Genetics/Laboratory Corporation of America, LabCorp and Laboratory for Molecular Medicine, Mass General Brigham Personalized Medicine); PubMed 23233322 (cited by Women's Health and Genetics/Laboratory Corporation of America, LabCorp); PubMed 24510615 (cited by Women's Health and Genetics/Laboratory Corporation of America, LabCorp); PubMed 23711808 (cited by Women's Health and Genetics/Laboratory Corporation of America, LabCorp); PubMed 14640471 (cited by Laboratory for Molecular Medicine, Mass General Brigham Personalized Medicine); PubMed 11968089 (cited by Laboratory for Molecular Medicine, Mass General Brigham Personalized Medicine); PubMed 16115294 (cited by Laboratory for Molecular Medicine, Mass General Brigham Personalized Medicine); PubMed 18029407 (cited by Laboratory for Molecular Medicine, Mass General Brigham Personalized Medicine); PubMed 19880069 (cited by Laboratory for Molecular Medicine, Mass General Brigham Personalized Medicine); PubMed 22579624 (cited by Laboratory for Molecular Medicine, Mass General Brigham Personalized Medicine).